The following is an entry in ClinVar:

ClinVar aggregate classification (germline): Uncertain significance. Review status: criteria provided, multiple submitters, no conflicts (2 of 4 stars). 2 submissions from 2 submitters: Uncertain significance (2). Last evaluated 2021-07-31.

Conditions:
Hereditary breast ovarian cancer syndrome. Also called: Hereditary breast and/or ovarian cancer syndrome; BRCA1- and BRCA2-Associated Hereditary Breast and Ovarian Cancer; Hereditary breast and ovarian cancer syndrome; Breast and ovarian cancer; Hereditary breast and ovarian cancer; Hereditary breast and ovarian cancer syndrome (HBOC). Identifiers: Orphanet 145, MedGen C0677776, MeSH D061325, MONDO:0003582. Disease mechanism: loss of function.

Submissions (2):

Labcorp Genetics (formerly Invitae), Labcorp
Classification: Uncertain significance for Hereditary breast ovarian cancer syndrome. Last evaluated: 2021-07-31. Review status: criteria provided, single submitter. Criteria: Invitae Variant Classification Sherloc (09022015). Collection method: clinical testing. Allele origin: germline.
Comment: In summary, the available evidence is currently insufficient to determine the role of this variant in disease. Therefore, it has been classified as a Variant of Uncertain Significance. Experimental studies and prediction algorithms are not available or were not evaluated, and the functional significance of this variant is currently unknown. ClinVar contains an entry for this variant (Variation ID: 807001). This variant has not been reported in the literature in individuals affected with BRCA2-related conditions. The frequency data for this variant in the population databases is considered unreliable, as metrics indicate insufficient coverage at this position in the ExAC database. This variant occurs in a non-coding region of the BRCA2 gene. It does not change the encoded amino acid sequence of the BRCA2 protein.

CeGaT Center for Human Genetics Tuebingen
Classification: Uncertain significance. Last evaluated: 2019-03-01. Review status: criteria provided, single submitter. Criteria: CeGaT Center For Human Genetics Tuebingen Variant Classification Criteria Version 2. Collection method: clinical testing. Allele origin: germline. Affected: yes. Observed: 1 variant allele.

NM_000059.4(BRCA2):c.-57A>G

Genes: BRCA2 (BRCA2 DNA repair associated; plus strand), LOC106721785 (BRCA2 promoter/silencer region; plus strand). Cytogenetic location: 13q13.1.
Variant type: single nucleotide variant.
Coding change: c.-57A>G on transcript NM_000059.4 (MANE Select); 57 bases upstream of the start codon, A replaced by G.
Molecular consequence: 5 prime UTR variant.
Genome position (GRCh38, 1-based): chr13:32,315,650, A>G. VCF-style: chr13-32315650-A-G. GRCh37 (hg19) VCF-style: chr13-32889787-A-G.
Identifiers: ClinVar variation 807001 (VCV000807001.47), dbSNP rs1593879801, ClinGen allele CA915946912.
Genomic context (GRCh38, chr13:32,315,650, plus strand): 5'-CGTGAGGGGACAGATTTGTGACCGGCGCGGTTTTTGTCAGCTTACTCCGGCCAAAAAAGA[A>G]CTGCACCTCTGGAGCGGGTTAGTGGTGGTGGTAGTGGGTTGGGACGAGCGCGTCTTCCGC-3'